The following is an entry in ClinVar:

NM_152419.3(HGSNAT):c.765C>T (p.Val255=)

Gene: HGSNAT (heparan-alpha-glucosaminide N-acetyltransferase; plus strand). Cytogenetic location: 8p11.21.
Variant type: single nucleotide variant.
Coding change: c.765C>T on transcript NM_152419.3 (MANE Select); coding-DNA position 765, C replaced by T.
Protein change: p.Val255=; no amino-acid change (valine 255 retained).
Molecular consequence: synonymous variant. On other transcripts: 5 prime UTR variant (1).
Genome position (GRCh38, 1-based): chr8:43,172,331, C>T. VCF-style: chr8-43172331-C-T. GRCh37 (hg19) VCF-style: chr8-43027474-C-T.
Other names: c.765C>T, p.Val255= (NM_001363227.2, NM_001363228.2); c.-69C>T (NM_001363229.2).
Identifiers: ClinVar variation 784581 (VCV000784581.13), dbSNP rs137963729, ClinGen allele CA4736625.
Genomic context (GRCh38, chr8:43,172,331, plus strand): 5'-GCAAACCCTGAAAGGCTTCTCTTTGTTGGCTTCTTCTAGGATTGCTCTTATACTCATGGT[C>T]TTTGTCAATTATGGAGGAGGAAAATATTGGTACTTCAAACATGCAAGTTGGAATGGTAAG-3'
Protein context (NP_689632.2, residues 245-265): TFRGIALILM[Val255=]FVNYGGGKYW

ClinVar aggregate classification (germline): Likely benign. Review status: criteria provided, multiple submitters, no conflicts (2 of 4 stars). 4 submissions from 4 submitters: Likely benign (3). 1 of the submissions does not count toward it. Last evaluated 2026-01-26.

Conditions:
Mucopolysaccharidosis, MPS-III-C (MPS3C). Also called: MUCOPOLYSACCHARIDOSIS, TYPE IIIC; mucopolysaccharidosis type 3C; SANFILIPPO SYNDROME C; MPS III C; MPS IIIC (Sanfilippo Syndrome Type C); Mucopolysaccharidosis type IIIC (Sanfilippo C). Identifiers: Orphanet 581, Orphanet 79271, MedGen C0086649, MONDO:0009657, OMIM 252930.
Retinitis pigmentosa 73 (RP73). Identifiers: Orphanet 791, MedGen C4225287, MONDO:0014687, OMIM 616544.
HGSNAT-related disorder. Also called: HGSNAT-related condition.

Allele frequency attached by ClinVar (database versions not stated): gnomAD 0.00046 and 0.00045; ESP Exome Variant Server 0.00050; gnomAD exomes 0.00014 and 0.00005; TOPMed 0.00059; ExAC 0.00013; 1000 Genomes Project 0.00120; 1000 Genomes Project 30x 0.00141.
gnomAD v4.1: 153 of 1,611,996 alleles (0.0095%); highest among the groups gnomAD compares: African/African-American, 0.16%; 1 homozygote.

Submissions (4):

Labcorp Genetics (formerly Invitae), Labcorp
Classification: Likely benign for Retinitis pigmentosa 73; Mucopolysaccharidosis, MPS-III-C. Last evaluated: 2026-01-26. Review status: criteria provided, single submitter. Criteria: Invitae Variant Classification Sherloc (09022015). Collection method: clinical testing. Allele origin: germline.

PreventionGenetics, part of Exact Sciences
Classification: Likely benign for HGSNAT-related condition. Last evaluated: 2024-12-10. Review status: criteria provided, single submitter. Criteria: ACMG Guidelines, 2015. Collection method: clinical testing. Allele origin: germline.
Comment: This variant is classified as likely benign based on ACMG/AMP sequence variant interpretation guidelines (Richards et al. 2015 PMID: 25741868, with internal and published modifications).

Blueprint Genetics
Classification: Likely benign. Last evaluated: 2023-11-28. Review status: criteria provided, single submitter. Criteria: ACMG Guidelines, 2015. Collection method: clinical testing. Allele origin: germline.

Natera, Inc.
Classification: Uncertain significance for Mucopolysaccharidosis type IIIC. Last evaluated: 2020-01-10. Review status: no assertion criteria provided. Collection method: clinical testing. Allele origin: germline. Not counted in ClinVar's aggregate classification.